The following is an entry in ClinVar:

ClinVar aggregate classification (germline): Uncertain significance (1 of 4 stars; one submission).

Conditions:
Diamond-Blackfan anemia. Also called: Blackfan Diamond syndrome; Aregenerative anemia chronic congenital; Red cell aplasia, pure hereditary; Congenital hypoplastic anemia; Aase syndrome. Identifiers: Orphanet 124, MedGen C1260899, MeSH D029503, MONDO:0015253, HP:0004810.

Allele frequency attached by ClinVar (database versions not stated): gnomAD exomes below 0.00001; TOPMed 0.00001.
gnomAD v4.1: 5 of 1,604,684 alleles (0.00031%); highest among the groups gnomAD compares: Non-Finnish European, 0.00043%; no homozygotes.

Submission:

Labcorp Genetics (formerly Invitae), Labcorp
Classification: Uncertain significance for Diamond-Blackfan anemia. Last evaluated: 2023-06-09. Review status: criteria provided, single submitter. Criteria: Invitae Variant Classification Sherloc (09022015). Collection method: clinical testing. Allele origin: germline.
Comment: This sequence change replaces lysine, which is basic and polar, with asparagine, which is neutral and polar, at codon 99 of the RPS24 protein (p.Lys99Asn). This variant is present in population databases (no rsID available, gnomAD 0.003%). This variant has not been reported in the literature in individuals affected with RPS24-related conditions. An algorithm developed to predict the effect of missense changes on protein structure and function (PolyPhen-2) suggests that this variant is likely to be tolerated. In summary, the available evidence is currently insufficient to determine the role of this variant in disease. Therefore, it has been classified as a Variant of Uncertain Significance.

NM_033022.4(RPS24):c.297G>C (p.Lys99Asn)

Gene: RPS24 (ribosomal protein S24; plus strand). Cytogenetic location: 10q22.3.
Variant type: single nucleotide variant.
Coding change: c.297G>C on transcript NM_033022.4 (MANE Select); coding-DNA position 297, G replaced by C.
Protein change: p.Lys99Asn; replaces lysine 99 with asparagine.
Molecular consequence: missense variant.
Genome position (GRCh38, 1-based): chr10:78,037,211, G>C. VCF-style: chr10-78037211-G-C. GRCh37 (hg19) VCF-style: chr10-79796969-G-C.
Other names: c.297G>C, p.Lys99Asn (NM_001026.5, NM_001142282.2, NM_001142283.2 and 2 more transcripts); short protein forms K99N.
Identifiers: ClinVar variation 2897806 (VCV002897806.3), dbSNP rs1020277168, ClinGen allele CA210192275.